The following is an entry in ClinVar:

NM_001277115.2(DNAH11):c.13322_13335dup (p.Val4446fs)

Genes: CDCA7L (cell division cycle associated 7 like; minus strand), DNAH11 (dynein axonemal heavy chain 11; plus strand). Cytogenetic location: 7p15.3.
Variant type: Duplication.
Coding change: c.13322_13335dup on transcript NM_001277115.2 (MANE Select); coding-DNA positions 13322 to 13335, 14 bases duplicated (AAGCAGGAACCATT).
Protein change: p.Val4446fs; shifts the reading frame from valine 4446.
Molecular consequence: frameshift variant. On other transcripts: 3 prime UTR variant (3).
Genome position (GRCh38, 1-based): chr7:21,901,025-21,901,038, AAGCAGGAACCATT duplicated. VCF-style (leftmost placement, unchanged base first): chr7-21901024-C-CAAGCAGGAACCATT. GRCh37 (hg19) VCF-style: chr7-21940642-C-CAAGCAGGAACCATT.
Other names: c.*1284_*1297dup (NM_001127370.3, NM_001127371.3, NM_018719.5); short protein forms V4446fs.
Identifiers: ClinVar variation 2880956 (VCV002880956.4), dbSNP rs2534163550, ClinGen allele CA2681994192.

ClinVar aggregate classification (germline): Pathogenic/Likely pathogenic. Review status: criteria provided, multiple submitters, no conflicts (2 of 4 stars). 2 submissions from 2 submitters: Pathogenic (1); Likely pathogenic (1). Last evaluated 2024-08-09.

Conditions:
Primary ciliary dyskinesia. Also called: Ciliary dyskinesia. Identifiers: Orphanet 244, MedGen C0008780, MONDO:0016575, HP:0012265.
Primary ciliary dyskinesia 7. Also called: CILIARY DYSKINESIA, PRIMARY, 7, WITH OR WITHOUT SITUS INVERSUS. Identifiers: Orphanet 244, MedGen C2678473, MONDO:0012748, OMIM 611884.

Submissions (2):

Revvity Omics, Revvity
Classification: Likely pathogenic for Primary ciliary dyskinesia 7. Last evaluated: 2024-08-09. Review status: criteria provided, single submitter. Criteria: ACMG Guidelines, 2015. Collection method: clinical testing. Allele origin: germline.

Labcorp Genetics (formerly Invitae), Labcorp
Classification: Pathogenic for Primary ciliary dyskinesia. Last evaluated: 2023-07-13. Review status: criteria provided, single submitter. Criteria: Invitae Variant Classification Sherloc (09022015). Collection method: clinical testing. Allele origin: germline.
Comment: For these reasons, this variant has been classified as Pathogenic. This variant disrupts a region of the DNAH11 protein in which other variant(s) (p.Trp4505Serfs*10) have been determined to be pathogenic (Invitae). This suggests that this is a clinically significant region of the protein, and that variants that disrupt it are likely to be disease-causing. This variant has not been reported in the literature in individuals affected with DNAH11-related conditions. This variant is not present in population databases (gnomAD no frequency). This sequence change creates a premature translational stop signal (p.Val4446Lysfs*45) in the DNAH11 gene. While this is not anticipated to result in nonsense mediated decay, it is expected to disrupt the last 71 amino acid(s) of the DNAH11 protein.